The following is an entry in ClinVar:

NM_144670.6(A2ML1):c.1828C>G (p.Arg610Gly)

Gene: A2ML1 (alpha-2-macroglobulin like 1; plus strand). Cytogenetic location: 12p13.31.
Variant type: single nucleotide variant.
Coding change: c.1828C>G on transcript NM_144670.6 (MANE Select); coding-DNA position 1828, C replaced by G.
Protein change: p.Arg610Gly; replaces arginine 610 with glycine.
Molecular consequence: missense variant.
Genome position (GRCh38, 1-based): chr12:8,847,693, C>G. VCF-style: chr12-8847693-C-G. GRCh37 (hg19) VCF-style: chr12-9000289-C-G.
Other names: c.355C>G, p.Arg119Gly (NM_001282424.3); short protein forms R119G, R610G.
Identifiers: ClinVar variation 928793 (VCV000928793.1), dbSNP rs375392265, ClinGen allele CA383829957.

ClinVar aggregate classification (germline): Uncertain significance (1 of 4 stars; one submission).

Allele frequency attached by ClinVar (database versions not stated): TOPMed 0.00001.
gnomAD v4.1: 1 of 1,610,406 alleles (0.000062%); highest among the groups gnomAD compares: East Asian, 0.0022%; no homozygotes.

Submission:

Women's Health and Genetics/Laboratory Corporation of America, LabCorp
Classification: Uncertain significance. Last evaluated: 2019-09-09. Review status: criteria provided, single submitter. Criteria: LabCorp Variant Classification Summary - May 2015. Collection method: clinical testing. Allele origin: germline.
Comment: Variant summary: A2ML1 c.1828C>G (p.Arg610Gly) results in a non-conservative amino acid change in the encoded protein sequence. Four of five in-silico tools predict a benign effect of the variant on protein function. The variant allele was found at a frequency of 8.2e-06 in 244460 control chromosomes (gnomAD). The available data on variant occurrences in the general population are insufficient to allow any conclusion about variant significance. To our knowledge, no occurrence of c.1828C>G in individuals affected with Noonan Syndrome and no experimental evidence demonstrating its impact on protein function have been reported. No clinical diagnostic laboratories have submitted clinical-significance assessments for this variant to ClinVar after 2014. Based on the evidence outlined above, the variant was classified as uncertain significance.